The following is an entry in ClinVar:

ClinVar aggregate classification (germline): Uncertain significance (1 of 4 stars; one submission).

Conditions:
Capillary malformation-arteriovenous malformation syndrome. Also called: Capillary malformation-arteriovenous malformation. Identifiers: Orphanet 137667, MedGen C1842180, MONDO:0012016.

Submission:

Labcorp Genetics (formerly Invitae), Labcorp
Classification: Uncertain significance for Capillary malformation-arteriovenous malformation syndrome. Last evaluated: 2024-03-03. Review status: criteria provided, single submitter. Criteria: Invitae Variant Classification Sherloc (09022015). Collection method: clinical testing. Allele origin: germline.
Comment: This sequence change replaces methionine, which is neutral and non-polar, with isoleucine, which is neutral and non-polar, at codon 114 of the RASA1 protein (p.Met114Ile). This variant is not present in population databases (gnomAD no frequency). This variant has not been reported in the literature in individuals affected with RASA1-related conditions. An algorithm developed to predict the effect of missense changes on protein structure and function (PolyPhen-2) suggests that this variant is likely to be tolerated. In summary, the available evidence is currently insufficient to determine the role of this variant in disease. Therefore, it has been classified as a Variant of Uncertain Significance.

NM_002890.3(RASA1):c.342G>A (p.Met114Ile)

Gene: RASA1 (RAS p21 protein activator 1; plus strand). Cytogenetic location: 5q14.3.
Variant type: single nucleotide variant.
Coding change: c.342G>A on transcript NM_002890.3 (MANE Select); coding-DNA position 342, G replaced by A.
Protein change: p.Met114Ile; replaces methionine 114 with isoleucine.
Molecular consequence: missense variant.
Genome position (GRCh38, 1-based): chr5:87,268,793, G>A. VCF-style: chr5-87268793-G-A. GRCh37 (hg19) VCF-style: chr5-86564610-G-A.
Other names: short protein forms M114I.
Identifiers: ClinVar variation 3691005 (VCV003691005.2).